The following is an entry in ClinVar:

NM_000179.3(MSH6):c.2685A>T (p.Thr895=)

Gene: MSH6 (mutS homolog 6; plus strand). Cytogenetic location: 2p16.3.
Variant type: single nucleotide variant.
Coding change: c.2685A>T on transcript NM_000179.3 (MANE Select); coding-DNA position 2685, A replaced by T.
Protein change: p.Thr895=; no amino-acid change (threonine 895 retained).
Molecular consequence: synonymous variant.
Genome position (GRCh38, 1-based): chr2:47,800,668, A>T. VCF-style: chr2-47800668-A-T. GRCh37 (hg19) VCF-style: chr2-48027807-A-T.
Other names: c.2295A>T, p.Thr765= (NM_001281492.2); c.1779A>T, p.Thr593= (NM_001281493.2, NM_001281494.2).
Identifiers: ClinVar variation 215648 (VCV000215648.35), dbSNP rs749539614, ClinGen allele CA069439.
Genomic context (GRCh38, chr2:47,800,668, plus strand): 5'-GGAAGAAGTTGCTGATGGTTTTAAGTCTAAAATCCTTAAGCAGGTCATCTCTCTGCAGAC[A>T]AAAAATCCTGAAGGTCGTTTTCCTGATTTGACTGTAGAATTGAACCGATGGGATACAGCC-3'
Protein context (NP_000170.1, residues 885-905): KILKQVISLQ[Thr895=]KNPEGRFPDL

ClinVar aggregate classification (germline): Benign/Likely benign. Review status: criteria provided, multiple submitters, no conflicts (2 of 4 stars). 4 submissions from 4 submitters: Benign (1); Likely benign (3). Last evaluated 2025-01-02.

Conditions:
Hereditary nonpolyposis colorectal neoplasms. Identifiers: MedGen C0009405, MeSH D003123.
Hereditary cancer-predisposing syndrome. Also called: Tumor predisposition; Neoplastic Syndromes, Hereditary; Hereditary Cancer Syndrome; Hereditary neoplastic syndrome. Identifiers: Orphanet 140162, MedGen C0027672, MeSH D009386, MONDO:0015356.
Lynch syndrome 5 (LYNCH5). Also called: Colorectal cancer, hereditary nonpolyposis, type 5; Hereditary non-polyposis colorectal cancer, type 5. Identifiers: Orphanet 144, MedGen C1833477, MONDO:0013710, OMIM 614350. Disease mechanism: loss of function.

Allele frequency attached by ClinVar (database versions not stated): ExAC 0.00001.
gnomAD v4.1: 1 of 1,614,190 alleles (0.000062%); no homozygotes.

Submissions (4):

Myriad Genetics, Inc.
Classification: Benign for Lynch syndrome 5. Last evaluated: 2025-01-02. Review status: criteria provided, single submitter. Criteria: Myriad Autosomal Dominant, Autosomal Recessive and X-Linked Classification Criteria (2023). Collection method: clinical testing. Allele origin: unknown.
Comment: This variant is considered benign. This variant is a silent/synonymous amino acid change and it is not expected to impact splicing.

Labcorp Genetics (formerly Invitae), Labcorp
Classification: Likely benign for Hereditary nonpolyposis colorectal neoplasms. Last evaluated: 2024-07-08. Review status: criteria provided, single submitter. Criteria: Invitae Variant Classification Sherloc (09022015). Collection method: clinical testing. Allele origin: germline.

CeGaT Center for Human Genetics Tuebingen
Classification: Likely benign. Last evaluated: 2024-05-01. Review status: criteria provided, single submitter. Criteria: CeGaT Center For Human Genetics Tuebingen Variant Classification Criteria Version 2. Collection method: clinical testing. Allele origin: germline. Affected: yes. Observed: 1 variant allele.
Comment: MSH6: BP4, BP7

Ambry Genetics
Classification: Likely benign for Hereditary cancer-predisposing syndrome. Last evaluated: 2017-06-27. Review status: criteria provided, single submitter. Criteria: Ambry Variant Classification Scheme 2023. Collection method: clinical testing. Allele origin: germline.